The following is an entry in ClinVar:

NM_015404.4(WHRN):c.2677C>T (p.Arg893Cys)

Gene: WHRN (whirlin; minus strand). Cytogenetic location: 9q32.
Variant type: single nucleotide variant.
Coding change: c.2677C>T on transcript NM_015404.4 (MANE Select); coding-DNA position 2677, C replaced by T.
Protein change: p.Arg893Cys; replaces arginine 893 with cysteine.
Molecular consequence: missense variant.
Genome position (GRCh38, 1-based): chr9:114,402,801, G>A on the plus strand (C>T on the coding strand, the complement: WHRN is on the minus strand). VCF-style: chr9-114402801-G-A. GRCh37 (hg19) VCF-style: chr9-117165081-G-A.
Other names: c.1528C>T, p.Arg510Cys (NM_001083885.3); c.2674C>T, p.Arg892Cys (NM_001173425.2); c.1624C>T, p.Arg542Cys (NM_001346890.1); short protein forms R510C, R542C, R892C, R893C.
Identifiers: ClinVar variation 1022464 (VCV001022464.4), dbSNP rs138323921, ClinGen allele CA5205556.

ClinVar aggregate classification (germline): Uncertain significance (1 of 4 stars; one submission).

gnomAD v4.1: 21 of 1,614,070 alleles (0.0013%); highest among the groups gnomAD compares: Middle Eastern, 0.016%; no homozygotes.

Submission:

Labcorp Genetics (formerly Invitae), Labcorp
Classification: Uncertain significance. Last evaluated: 2022-08-09. Review status: criteria provided, single submitter. Criteria: Invitae Variant Classification Sherloc (09022015). Collection method: clinical testing. Allele origin: germline.
Comment: In summary, the available evidence is currently insufficient to determine the role of this variant in disease. Therefore, it has been classified as a Variant of Uncertain Significance. Algorithms developed to predict the effect of missense changes on protein structure and function output the following: SIFT: "Tolerated"; PolyPhen-2: "Benign"; Align-GVGD: "Class C0". The cysteine amino acid residue is found in multiple mammalian species, which suggests that this missense change does not adversely affect protein function. ClinVar contains an entry for this variant (Variation ID: 1022464). This variant has not been reported in the literature in individuals affected with WHRN-related conditions. This variant is present in population databases (rs138323921, gnomAD 0.009%). This sequence change replaces arginine, which is basic and polar, with cysteine, which is neutral and slightly polar, at codon 893 of the WHRN protein (p.Arg893Cys).